The following is an entry in ClinVar:

NM_000219.6(KCNE1):c.361C>A (p.His121Asn)

Gene: KCNE1 (potassium voltage-gated channel subfamily E regulatory subunit 1; minus strand). Cytogenetic location: 21q22.12.
Variant type: single nucleotide variant.
Coding change: c.361C>A on transcript NM_000219.6 (MANE Select); coding-DNA position 361, C replaced by A.
Protein change: p.His121Asn; replaces histidine 121 with asparagine.
Molecular consequence: missense variant.
Genome position (GRCh38, 1-based): chr21:34,449,274, G>T on the plus strand (C>A on the coding strand, the complement: KCNE1 is on the minus strand). VCF-style: chr21-34449274-G-T. GRCh37 (hg19) VCF-style: chr21-35821572-G-T.
Other names: c.361C>A, p.His121Asn (NM_001127668.4, NM_001127669.4, NM_001127670.4 and 4 more transcripts); short protein forms H121N.
Identifiers: ClinVar variation 3373812 (VCV003373812.2).
Genomic context (GRCh38, chr21:34,449,274, plus strand): 5'-GGATGTGTCCAGTTTTAGCCAGTGGTGGGGTTCATGGGGAAGGCTTCGTCTCAGGAAGGT[G>T]TGTGTTGGGTTGTTCTATGGCCAGATGGTTTTCAACGACATAGCACGACCTGTAGCTCTC-3'
Protein context (NP_000210.2, residues 111-129): NHLAIEQPNT[His121Asn]LPETKPSP

Conditions:
Long QT syndrome 5 (LQT5). Identifiers: Orphanet 101016, Orphanet 768, MedGen C1867904, MONDO:0013372, OMIM 613695.

Submission:

Roden Lab, Vanderbilt University Medical Center
No classification provided (evidence only). Condition: Long QT syndrome 5. Review status: no classification provided. Collection method: in vitro. Allele origin: not applicable. Functional consequence: Effect on ion channel function.
ClinVar note: "not provided" was previously submitted as the classification for the variant. However, the classification appeared to be based only on an observation of functional data so it was converted to no classification on 2025-07-30.